The following is an entry in ClinVar:

ClinVar aggregate classification (germline): Uncertain significance (1 of 4 stars; one submission).

Conditions:
Charcot-Marie-Tooth disease type 2. Also called: Charcot-Marie-Tooth type 2. Identifiers: Orphanet 64746, MedGen C0270914, MONDO:0018993.

Allele frequency attached by ClinVar (database versions not stated): gnomAD exomes below 0.00001; gnomAD 0.00001; TOPMed 0.00001.
gnomAD v4.1: 5 of 1,614,022 alleles (0.00031%); highest among the groups gnomAD compares: East Asian, 0.0022%; no homozygotes.

Submission:

Labcorp Genetics (formerly Invitae), Labcorp
Classification: Uncertain significance for Charcot-Marie-Tooth disease type 2. Last evaluated: 2024-09-27. Review status: criteria provided, single submitter. Criteria: Invitae Variant Classification Sherloc (09022015). Collection method: clinical testing. Allele origin: germline.
Comment: This sequence change replaces arginine, which is basic and polar, with histidine, which is basic and polar, at codon 633 of the AARS protein (p.Arg633His). This variant is present in population databases (no rsID available, gnomAD 0.007%). This variant has not been reported in the literature in individuals affected with AARS-related conditions. ClinVar contains an entry for this variant (Variation ID: 2140366). Invitae Evidence Modeling of protein sequence and biophysical properties (such as structural, functional, and spatial information, amino acid conservation, physicochemical variation, residue mobility, and thermodynamic stability) indicates that this missense variant is not expected to disrupt AARS protein function with a negative predictive value of 80%. In summary, the available evidence is currently insufficient to determine the role of this variant in disease. Therefore, it has been classified as a Variant of Uncertain Significance.

NM_001605.3(AARS1):c.1898G>A (p.Arg633His)

Gene: AARS1 (alanyl-tRNA synthetase 1; minus strand). Cytogenetic location: 16q22.1.
Variant type: single nucleotide variant.
Coding change: c.1898G>A on transcript NM_001605.3 (MANE Select); coding-DNA position 1898, G replaced by A.
Protein change: p.Arg633His; replaces arginine 633 with histidine.
Molecular consequence: missense variant.
Genome position (GRCh38, 1-based): chr16:70,259,074, C>T on the plus strand (G>A on the coding strand, the complement: AARS1 is on the minus strand). VCF-style: chr16-70259074-C-T. GRCh37 (hg19) VCF-style: chr16-70292977-C-T.
Other names: short protein forms R633H.
Identifiers: ClinVar variation 2140366 (VCV002140366.4), dbSNP rs941040970, ClinGen allele CA283430399.